The following is an entry in ClinVar:

NM_001379200.1(TBX1):c.121T>G (p.Ser41Ala)

Gene: TBX1 (T-box transcription factor 1; plus strand). Cytogenetic location: 22q11.21.
Variant type: single nucleotide variant.
Coding change: c.121T>G on transcript NM_001379200.1 (MANE Select); coding-DNA position 121, T replaced by G.
Protein change: p.Ser41Ala; replaces serine 41 with alanine.
Molecular consequence: missense variant.
Genome position (GRCh38, 1-based): chr22:19,760,964, T>G. VCF-style: chr22-19760964-T-G. GRCh37 (hg19) VCF-style: chr22-19748487-T-G.
Other names: c.94T>G, p.Ser32Ala (NM_005992.1, NM_080646.2, NM_080647.1); short protein forms S32A, S41A.
Identifiers: ClinVar variation 1767186 (VCV001767186.2), dbSNP rs1936637225, ClinGen allele CA410681194.

ClinVar aggregate classification (germline): Uncertain significance (1 of 4 stars; one submission).

Conditions:
Cardiovascular phenotype. Identifiers: MedGen CN230736.

Submission:

Ambry Genetics
Classification: Uncertain significance for Cardiovascular phenotype. Last evaluated: 2021-06-23. Review status: criteria provided, single submitter. Criteria: Ambry Variant Classification Scheme 2023. Collection method: clinical testing. Allele origin: germline.
Comment: The p.S32A variant (also known as c.94T>G), located in coding exon 2 of the TBX1 gene, results from a T to G substitution at nucleotide position 94. The serine at codon 32 is replaced by alanine, an amino acid with similar properties. This amino acid position is conserved. In addition, this alteration is predicted to be tolerated by in silico analysis. Since supporting evidence is limited at this time, the clinical significance of this alteration remains unclear.